The following is an entry in ClinVar:

NM_152732.5(RSPH9):c.401T>C (p.Ile134Thr)

Gene: RSPH9 (radial spoke head component 9; plus strand). Cytogenetic location: 6p21.1.
Variant type: single nucleotide variant.
Coding change: c.401T>C on transcript NM_152732.5 (MANE Select); coding-DNA position 401, T replaced by C.
Protein change: p.Ile134Thr; replaces isoleucine 134 with threonine.
Molecular consequence: missense variant. On other transcripts: non-coding transcript variant (2), intron variant (2).
Genome position (GRCh38, 1-based): chr6:43,655,569, T>C. VCF-style: chr6-43655569-T-C. GRCh37 (hg19) VCF-style: chr6-43623306-T-C.
Other names: c.401T>C, p.Ile134Thr (NM_001424119.1, NM_001424121.1); c.394-38T>C (NM_001193341.2, NM_001424120.1); short protein forms I134T.
Identifiers: ClinVar variation 2961516 (VCV002961516.3), dbSNP rs2532769510, ClinGen allele CA364289026.

ClinVar aggregate classification (germline): Uncertain significance (1 of 4 stars; one submission).

Conditions:
Primary ciliary dyskinesia. Also called: Ciliary dyskinesia. Identifiers: Orphanet 244, MedGen C0008780, MONDO:0016575, HP:0012265.

Submission:

Labcorp Genetics (formerly Invitae), Labcorp
Classification: Uncertain significance for Primary ciliary dyskinesia. Last evaluated: 2022-12-14. Review status: criteria provided, single submitter. Criteria: Invitae Variant Classification Sherloc (09022015). Collection method: clinical testing. Allele origin: germline.
Comment: This sequence change replaces isoleucine, which is neutral and non-polar, with threonine, which is neutral and polar, at codon 134 of the RSPH9 protein (p.Ile134Thr). This variant is not present in population databases (gnomAD no frequency). This variant has not been reported in the literature in individuals affected with RSPH9-related conditions. Algorithms developed to predict the effect of missense changes on protein structure and function are either unavailable or do not agree on the potential impact of this missense change (SIFT: "Deleterious"; PolyPhen-2: "Possibly Damaging"; Align-GVGD: "Class C0"). In summary, the available evidence is currently insufficient to determine the role of this variant in disease. Therefore, it has been classified as a Variant of Uncertain Significance.